The following is an entry in ClinVar:

ClinVar aggregate classification (germline): Benign/Likely benign. Review status: criteria provided, multiple submitters, no conflicts (2 of 4 stars). 4 submissions from 4 submitters: Benign (2); Likely benign (1). 1 of the submissions does not count toward it. Last evaluated 2025-07-14.

Conditions:
GLI2-related disorder. Also called: GLI2-related disorders; GLI2-related condition.
Holoprosencephaly 9 (HPE9). Also called: PITUITARY ANOMALIES WITH HOLOPROSENCEPHALY-LIKE FEATURES; HOLOPROSENCEPHALY WITH MICROPHTHALMIA AND FIRST BRANCHIAL ARCH ANOMALIES. Identifiers: Orphanet 2162, MedGen C1835819, MONDO:0012563, OMIM 610829.
Postaxial polydactyly-anterior pituitary anomalies-facial dysmorphism syndrome. Also called: Culler-Jones syndrome. Identifiers: Orphanet 420584, MedGen C4014479, MONDO:0014369, OMIM 615849.

Allele frequency attached by ClinVar (database versions not stated): gnomAD exomes 0.00013 and 0.00031; ExAC 0.00032; ESP Exome Variant Server 0.00054; gnomAD 0.00112 and 0.00120; TOPMed 0.00117; 1000 Genomes Project 0.00140; 1000 Genomes Project 30x 0.00141.
gnomAD v4.1: 381 of 1,614,224 alleles (0.024%); highest among the groups gnomAD compares: African/African-American, 0.36%; no homozygotes.

Submissions (4):

Labcorp Genetics (formerly Invitae), Labcorp
Classification: Benign for Postaxial polydactyly-anterior pituitary anomalies-facial dysmorphism syndrome; Holoprosencephaly 9. Last evaluated: 2025-07-14. Review status: criteria provided, single submitter. Criteria: Invitae Variant Classification Sherloc (09022015). Collection method: clinical testing. Allele origin: germline.

Blueprint Genetics
Classification: Likely benign. Last evaluated: 2023-10-26. Review status: criteria provided, single submitter. Criteria: ACMG Guidelines, 2015. Collection method: clinical testing. Allele origin: germline.

Breakthrough Genomics
Classification: Benign. Review status: criteria provided, single submitter. Criteria: ACMG Guidelines, 2015. Collection method: not provided. Allele origin: germline. Inheritance: Autosomal dominant inheritance. Affected: yes.

PreventionGenetics, part of Exact Sciences
Classification: Likely benign for GLI2-related condition. Last evaluated: 2019-05-01. Review status: no assertion criteria provided. Collection method: clinical testing. Allele origin: germline. Not counted in ClinVar's aggregate classification.
Comment: This variant is classified as likely benign based on ACMG/AMP sequence variant interpretation guidelines (Richards et al. 2015 PMID: 25741868, with internal and published modifications).

NM_001374353.1(GLI2):c.1662C>T (p.Cys554=)

Gene: GLI2 (GLI family zinc finger 2; plus strand). Cytogenetic location: 2q14.2.
Variant type: single nucleotide variant.
Coding change: c.1662C>T on transcript NM_001374353.1 (MANE Select); coding-DNA position 1662, C replaced by T.
Protein change: p.Cys554=; no amino-acid change (cysteine 554 retained).
Molecular consequence: synonymous variant.
Genome position (GRCh38, 1-based): chr2:120,984,500, C>T. VCF-style: chr2-120984500-C-T. GRCh37 (hg19) VCF-style: chr2-121742076-C-T.
Other names: c.1713C>T, p.Cys571= (NM_001371271.1, NM_005270.5); c.1287C>T, p.Cys429= (NM_001374354.1).
Identifiers: ClinVar variation 703689 (VCV000703689.16), dbSNP rs143055766, ClinGen allele CA1852001.